The following is an entry in ClinVar:

NM_001256545.2(MEGF10):c.1292C>T (p.Ala431Val)

Gene: MEGF10 (multiple EGF like domains 10; plus strand). Cytogenetic location: 5q23.2.
Variant type: single nucleotide variant.
Coding change: c.1292C>T on transcript NM_001256545.2 (MANE Select); coding-DNA position 1292, C replaced by T.
Protein change: p.Ala431Val; replaces alanine 431 with valine.
Molecular consequence: missense variant.
Genome position (GRCh38, 1-based): chr5:127,417,799, C>T. VCF-style: chr5-127417799-C-T. GRCh37 (hg19) VCF-style: chr5-126753491-C-T.
Other names: c.1292C>T, p.Ala431Val (NM_001308119.2, NM_001308121.2, NM_032446.3); short protein forms A431V.
Identifiers: ClinVar variation 373275 (VCV000373275.1), dbSNP rs1057518319, ClinGen allele CA16042579.

ClinVar aggregate classification (germline): Uncertain significance (1 of 4 stars; one submission).

Allele frequency attached by ClinVar (database versions not stated): gnomAD exomes below 0.00001; TOPMed 0.00001.
gnomAD v4.1: 5 of 1,613,738 alleles (0.00031%); highest among the groups gnomAD compares: South Asian, 0.0033%; no homozygotes.

Submission:

GeneDx
Classification: Uncertain significance. Last evaluated: 2016-11-22. Review status: criteria provided, single submitter. Criteria: GeneDx Variant Classification (06012015). Collection method: clinical testing. Allele origin: germline. Affected: yes.
Comment: The A431V variant has not been published as a pathogenic variant, nor has it been reported as a benign variant to our knowledge. It was not observed in approximately 6,500 individuals of European and African American ancestry in the NHLBI Exome Sequencing Project, indicating it is not a common benign variant in these populations. The A431V variant is a conservative amino acid substitution, which is not likely to impact secondary protein structure as these residues share similar properties. However, this substitution occurs at a position that is conserved across species, and in silico analysis predicts this variant is probably damaging to the protein structure/function.